The following is an entry in ClinVar:

ClinVar aggregate classification (germline): Uncertain significance (1 of 4 stars; one submission).

Conditions:
Hereditary cancer-predisposing syndrome. Also called: Tumor predisposition; Neoplastic Syndromes, Hereditary; Hereditary neoplastic syndrome; Hereditary Cancer Syndrome. Identifiers: Orphanet 140162, MedGen C0027672, MeSH D009386, MONDO:0015356.

Submission:

Ambry Genetics
Classification: Uncertain significance for Hereditary cancer-predisposing syndrome. Last evaluated: 2024-07-27. Review status: criteria provided, single submitter. Criteria: Ambry Variant Classification Scheme 2023. Collection method: clinical testing. Allele origin: germline.
Comment: The p.T246P variant (also known as c.736A>C), located in coding exon 1 of the AXIN2 gene, results from an A to C substitution at nucleotide position 736. The threonine at codon 246 is replaced by proline, an amino acid with highly similar properties. This amino acid position is conserved. In addition, this alteration is predicted to be tolerated by in silico analysis. Based on the available evidence, the clinical significance of this variant remains unclear.

NM_004655.4(AXIN2):c.736A>C (p.Thr246Pro)

Gene: AXIN2 (axin 2; minus strand). Cytogenetic location: 17q24.1.
Variant type: single nucleotide variant.
Coding change: c.736A>C on transcript NM_004655.4 (MANE Select); coding-DNA position 736, A replaced by C.
Protein change: p.Thr246Pro; replaces threonine 246 with proline.
Molecular consequence: missense variant.
Genome position (GRCh38, 1-based): chr17:65,557,885, T>G on the plus strand (A>C on the coding strand, the complement: AXIN2 is on the minus strand). VCF-style: chr17-65557885-T-G. GRCh37 (hg19) VCF-style: chr17-63554003-T-G.
Other names: c.736A>C, p.Thr246Pro (NM_001363813.1); short protein forms T246P.
Identifiers: ClinVar variation 3470138 (VCV003470138.1).